The following is an entry in ClinVar:

NM_000053.4(ATP7B):c.*1009G>A

Genes: ATP7B (ATPase copper transporting beta; minus strand), TMEM272 (transmembrane protein 272; minus strand). Cytogenetic location: 13q14.3.
Variant type: single nucleotide variant.
Coding change: c.*1009G>A on transcript NM_000053.4 (MANE Select); 1009 bases downstream of the stop codon, G replaced by A.
Molecular consequence: 3 prime UTR variant.
Genome position (GRCh38, 1-based): chr13:51,933,747, C>T on the plus strand (G>A on the coding strand, the complement: ATP7B is on the minus strand). VCF-style: chr13-51933747-C-T. GRCh37 (hg19) VCF-style: chr13-52507883-C-T.
Other names: c.*1009G>A (NM_001005918.3, NM_001243182.2, NM_001330578.2 and 1 more transcripts).
Identifiers: ClinVar variation 312362 (VCV000312362.6), dbSNP rs79747858, ClinGen allele CA10644733.

ClinVar aggregate classification (germline): Likely benign. Review status: criteria provided, multiple submitters, no conflicts (2 of 4 stars). 2 submissions from 2 submitters: Likely benign (2). Last evaluated 2018-01-13.

Conditions:
Wilson disease (WND). Also called: Wilson's disease. Identifiers: Orphanet 905, MedGen C0019202, MONDO:0010200, OMIM 277900. Disease mechanism: loss of function.

Allele frequency attached by ClinVar (database versions not stated): 1000 Genomes Project 0.00699; 1000 Genomes Project 30x 0.00703; gnomAD 0.01006 and 0.01012; TOPMed 0.01074.

Submissions (2):

Illumina Laboratory Services, Illumina
Classification: Likely benign for Wilson disease. Last evaluated: 2018-01-13. Review status: criteria provided, single submitter. Criteria: ICSL Variant Classification Criteria 13 December 2019. Collection method: clinical testing. Allele origin: germline.
Comment: This variant was observed in the ICSL laboratory as part of a predisposition screen in an ostensibly healthy population. It had not been previously curated by ICSL or reported in the Human Gene Mutation Database (HGMD: prior to June 1st, 2018), and was therefore a candidate for classification through an automated scoring system. Utilizing variant allele frequency, disease prevalence and penetrance estimates, and inheritance mode, an automated score was calculated to assess if this variant is too frequent to cause the disease. Based on the score and internal cut-off values, a variant classified as likely benign is not then subjected to further curation. The score for this variant resulted in a classification of likely benign for this disease.

Breakthrough Genomics
Classification: Likely benign. Review status: criteria provided, single submitter. Criteria: ACMG Guidelines, 2015. Collection method: not provided. Allele origin: germline. Inheritance: Autosomal recessive inheritance. Affected: yes.